The following is an entry in ClinVar:

ClinVar aggregate classification (germline): Uncertain significance. Review status: criteria provided, multiple submitters, no conflicts (2 of 4 stars). 2 submissions from 2 submitters: Uncertain significance (2). Last evaluated 2023-05-30.

Conditions:
Inborn genetic diseases. Identifiers: MedGen C0950123, MeSH D030342.

Submissions (2):

GeneDx
Classification: Uncertain significance. Last evaluated: 2023-05-30. Review status: criteria provided, single submitter. Criteria: GeneDx Variant Classification Process June 2021. Collection method: clinical testing. Allele origin: germline. Affected: yes.
Comment: Not observed at significant frequency in large population cohorts (gnomAD); In silico analysis supports that this missense variant does not alter protein structure/function; Has not been previously published as pathogenic or benign to our knowledge

Ambry Genetics
Classification: Uncertain significance for Inborn genetic diseases. Last evaluated: 2017-12-16. Review status: criteria provided, single submitter. Criteria: Ambry Variant Classification Scheme 2023. Collection method: clinical testing. Allele origin: germline.
Comment: The p.L48V variant (also known as c.142T>G), located in coding exon 1 of the KAT6A gene, results from a T to G substitution at nucleotide position 142. The leucine at codon 48 is replaced by valine, an amino acid with highly similar properties. This amino acid position is highly conserved in available vertebrate species. In addition, the in silico prediction for this alteration is inconclusive. Since supporting evidence is limited at this time, the clinical significance of this alteration remains unclear.

NM_006766.5(KAT6A):c.142T>G (p.Leu48Val)

Gene: KAT6A (lysine acetyltransferase 6A; minus strand). Cytogenetic location: 8p11.21.
Variant type: single nucleotide variant.
Coding change: c.142T>G on transcript NM_006766.5 (MANE Select); coding-DNA position 142, T replaced by G.
Protein change: p.Leu48Val; replaces leucine 48 with valine.
Molecular consequence: missense variant.
Genome position (GRCh38, 1-based): chr8:42,048,836, A>C on the plus strand (T>G on the coding strand, the complement: KAT6A is on the minus strand). VCF-style: chr8-42048836-A-C. GRCh37 (hg19) VCF-style: chr8-41906354-A-C.
Other names: c.142T>G, p.Leu48Val (NM_001305878.2); short protein forms L48V.
Identifiers: ClinVar variation 1772479 (VCV001772479.3), dbSNP rs2487062171, ClinGen allele CA371175328.